The following is an entry in ClinVar:

NM_003823.4(TNFRSF6B):c.443C>T (p.Thr148Met)

Genes: RTEL1-TNFRSF6B (RTEL1-TNFRSF6B readthrough (NMD candidate); plus strand), TNFRSF6B (TNF receptor superfamily member 6b; plus strand). Cytogenetic location: 20q13.33.
Variant type: single nucleotide variant.
Coding change: c.443C>T on transcript NM_003823.4 (MANE Select); coding-DNA position 443, C replaced by T.
Protein change: p.Thr148Met; replaces threonine 148 with methionine.
Molecular consequence: missense variant. On other transcripts: non-coding transcript variant (1).
Genome position (GRCh38, 1-based): chr20:63,697,346, C>T. VCF-style: chr20-63697346-C-T. GRCh37 (hg19) VCF-style: chr20-62328699-C-T.
Other names: short protein forms T148M.
Identifiers: ClinVar variation 1475860 (VCV001475860.8), dbSNP rs1376775310, ClinGen allele CA409711465.

ClinVar aggregate classification (germline): Uncertain significance (1 of 4 stars; one submission).

Allele frequency attached by ClinVar (database versions not stated): TOPMed below 0.00001; gnomAD 0.00001.

Submission:

Labcorp Genetics (formerly Invitae), Labcorp
Classification: Uncertain significance. Last evaluated: 2024-03-24. Review status: criteria provided, single submitter. Criteria: Invitae Variant Classification Sherloc (09022015). Collection method: clinical testing. Allele origin: germline.
Comment: This sequence change replaces threonine, which is neutral and polar, with methionine, which is neutral and non-polar, at codon 148 of the TNFRSF6B protein (p.Thr148Met). This variant is present in population databases (no rsID available, gnomAD 0.007%). This variant has not been reported in the literature in individuals affected with TNFRSF6B-related conditions. ClinVar contains an entry for this variant (Variation ID: 1475860). An algorithm developed to predict the effect of missense changes on protein structure and function (PolyPhen-2) suggests that this variant is likely to be disruptive. In summary, the available evidence is currently insufficient to determine the role of this variant in disease. Therefore, it has been classified as a Variant of Uncertain Significance.